The following is an entry in ClinVar:

NM_000465.4(BARD1):c.2093G>C (p.Gly698Ala)

Gene: BARD1 (BRCA1 associated RING domain 1; minus strand). Cytogenetic location: 2q35.
Variant type: single nucleotide variant.
Coding change: c.2093G>C on transcript NM_000465.4 (MANE Select); coding-DNA position 2093, G replaced by C.
Protein change: p.Gly698Ala; replaces glycine 698 with alanine.
Molecular consequence: missense variant. On other transcripts: non-coding transcript variant (3).
Genome position (GRCh38, 1-based): chr2:214,728,917, C>G on the plus strand (G>C on the coding strand, the complement: BARD1 is on the minus strand). VCF-style: chr2-214728917-C-G. GRCh37 (hg19) VCF-style: chr2-215593641-C-G.
Other names: c.2036G>C, p.Gly679Ala (NM_001282543.2); c.740G>C, p.Gly247Ala (NM_001282545.2); c.683G>C, p.Gly228Ala (NM_001282548.2); c.554G>C, p.Gly185Ala (NM_001282549.2); short protein forms G228A, G247A, G679A, G698A, G185A.
Identifiers: ClinVar variation 924835 (VCV000924835.13), dbSNP rs1553612188, ClinGen allele CA350450633.

ClinVar aggregate classification (germline): Uncertain significance. Review status: criteria provided, multiple submitters, no conflicts (2 of 4 stars). 2 submissions from 2 submitters: Uncertain significance (2). Last evaluated 2024-09-03.

Conditions:
Familial cancer of breast. Also called: BREAST CANCER, FAMILIAL; Hereditary breast cancer; hereditary breast carcinoma. Identifiers: Orphanet 227535, MedGen C0346153, MONDO:0016419, OMIM 114480. Disease mechanism: loss of function.
Hereditary cancer-predisposing syndrome. Also called: Neoplastic Syndromes, Hereditary; Tumor predisposition; Hereditary Cancer Syndrome; Hereditary neoplastic syndrome. Identifiers: Orphanet 140162, MedGen C0027672, MeSH D009386, MONDO:0015356.

Submissions (2):

Labcorp Genetics (formerly Invitae), Labcorp
Classification: Uncertain significance for Familial cancer of breast. Last evaluated: 2024-09-03. Review status: criteria provided, single submitter. Criteria: Invitae Variant Classification Sherloc (09022015). Collection method: clinical testing. Allele origin: germline.
Comment: This sequence change replaces glycine, which is neutral and non-polar, with alanine, which is neutral and non-polar, at codon 698 of the BARD1 protein (p.Gly698Ala). This variant is not present in population databases (gnomAD no frequency). This variant has not been reported in the literature in individuals affected with BARD1-related conditions. ClinVar contains an entry for this variant (Variation ID: 924835). An algorithm developed to predict the effect of missense changes on protein structure and function outputs the following: PolyPhen-2: "Benign". The alanine amino acid residue is found in multiple mammalian species, which suggests that this missense change does not adversely affect protein function. In summary, the available evidence is currently insufficient to determine the role of this variant in disease. Therefore, it has been classified as a Variant of Uncertain Significance.

Color Diagnostics, LLC DBA Color Health
Classification: Uncertain significance for Hereditary cancer-predisposing syndrome. Last evaluated: 2024-03-06. Review status: criteria provided, single submitter. Criteria: ACMG Guidelines, 2015. Collection method: clinical testing. Allele origin: germline.
Comment: This missense variant replaces glycine with alanine at codon 698 of the BARD1 protein. Computational prediction tool suggests that this variant may not impact protein structure and function (internally defined REVEL score threshold <=0.5, PMID: 27666373). Splice site prediction tools suggest that this variant may not impact RNA splicing. To our knowledge, functional studies have not been performed for this variant. This variant has not been reported in individuals affected with hereditary cancer in the literature. This variant has not been identified in the general population by the Genome Aggregation Database (gnomAD). The available evidence is insufficient to determine the role of this variant in disease conclusively. Therefore, this variant is classified as a Variant of Uncertain Significance.